The following is an entry in ClinVar:

CM000665.1:g.128391789_128412024dup

Gene: LOC129937524 (ATAC-STARR-seq lymphoblastoid active region 20490; plus strand). Cytogenetic location: 3q21.3.
Variant type: Duplication.
Identifiers: ClinVar variation 156879 (VCV000156879.2).

ClinVar aggregate classification (germline): not provided (0 of 4 stars; one submission).

Conditions:
Small for gestational age. Also called: Low birth weight. Identifiers: MedGen C0235991, HP:0001518.

Submission:

Institute of Molecular and Cell Biology, University of Tartu
No classification provided. Condition: Small for gestational age. Review status: no classification provided. Collection method: case-control. Allele origin: unknown. Affected: yes. Study: Kasak2014.
Comment: The study aimed to determine the contribution of copy number variants in the genetic etiology of normal and complicated pregnancies. The samples represented (i) maternal blood DNA drawn from healthy pregnant women during 1st or 2nd trimester and (ii) maternal and paternal blood DNA drawn at term pregnancy cases representing normal and complicated gestations (severe preeclampsia, PE; gestational diabetes, GD; small-for-gestational age newborn, SGA; large-for-gestational age newborn, LGA). We performed CNV calling based on genome-wide genotyping dataset (Illumina HumanOmniExpress-24-v1 BeadChip) by applying three algorithms, QuantiSNP, GADA (Genome Alteration Detection Algorithm) and CNstream in parallel. The acquired CNV calls were merged with HD-CNV (Hotspot Detector for Copy Number Variants) program and only the CNVs predicted by at least two programs, were considered in subsequent analysis.

Literature cited by the submitters: PubMed 25666259.